The following is an entry in ClinVar:

NM_004273.5(CHST3):c.533dup (p.Ala179fs)

Gene: CHST3 (carbohydrate sulfotransferase 3; plus strand). Cytogenetic location: 10q22.1.
Variant type: Duplication.
Coding change: c.533dup on transcript NM_004273.5 (MANE Select); coding-DNA position 533, one base duplicated (G; older notation c.533dupG).
Protein change: p.Ala179fs; shifts the reading frame from alanine 179.
Molecular consequence: frameshift variant.
Genome position (GRCh38, 1-based): chr10:72,007,564, G duplicated; the last of 6 consecutive G bases (chr10:72,007,559-72,007,564); duplicating any one gives the same sequence. VCF-style (leftmost placement, unchanged base first): chr10-72007558-C-CG. GRCh37 (hg19) VCF-style: chr10-73767316-C-CG.
Other names: CHST3; c.533dupG (NM_004273.4); short protein forms A179fs.
Identifiers: ClinVar variation 432012 (VCV000432012.49), dbSNP rs769540174, ClinGen allele CA5548112.

ClinVar aggregate classification (germline): Pathogenic/Likely pathogenic. Review status: criteria provided, multiple submitters, no conflicts (2 of 4 stars). 6 submissions from 6 submitters: Pathogenic (4); Likely pathogenic (2). Last evaluated 2025-10-06.

Conditions:
Spondyloepiphyseal dysplasia with congenital joint dislocations (SEDCJD). Also called: Chondrodysplasia with Congenital Joint Dislocations, CHST3-Related. Identifiers: Orphanet 263463, MedGen C1837657, MONDO:0007738, OMIM 143095.

Submissions (6):

3billion
Classification: Pathogenic for Spondyloepiphyseal dysplasia with congenital joint dislocations. Last evaluated: 2025-10-06. Review status: criteria provided, single submitter. Criteria: ACMG Guidelines, 2015. Collection method: clinical testing. Allele origin: germline. Affected: yes.
Comment: The variant is observed at an extremely low frequency in the gnomAD v4.1.0 dataset (total allele frequency: 0.001%). Predicted Consequence/Location: Frameshift: predicted to result in a loss or disruption of normal protein function through protein truncation. The predicted truncated protein may be shortened by more than 10%. The variant has been reported at least twice as pathogenic with clinical assertions and evidence for the classification (ClinVar ID: VCV000432012 /3billion dataset). Therefore, this variant is classified as Pathogenic according to the recommendation of ACMG/AMP guideline.

Genomic Medicine Center of Excellence, King Faisal Specialist Hospital and Research Centre
Classification: Likely pathogenic for Spondyloepiphyseal dysplasia with congenital joint dislocations. Last evaluated: 2025-09-10. Review status: criteria provided, single submitter. Criteria: ACMG Guidelines, 2015. Collection method: clinical testing. Allele origin: germline.

Labcorp Genetics (formerly Invitae), Labcorp
Classification: Pathogenic for Spondyloepiphyseal dysplasia with congenital joint dislocations. Last evaluated: 2024-08-20. Review status: criteria provided, single submitter. Criteria: Invitae Variant Classification Sherloc (09022015). Collection method: clinical testing. Allele origin: germline.
Comment: This sequence change creates a premature translational stop signal (p.Ala179Argfs*141) in the CHST3 gene. While this is not anticipated to result in nonsense mediated decay, it is expected to disrupt the last 301 amino acid(s) of the CHST3 protein. This variant is present in population databases (rs774572727, gnomAD 0.01%). This premature translational stop signal has been observed in individuals with CHST3-related conditions (PMID: 20830804, 27753269; Invitae). ClinVar contains an entry for this variant (Variation ID: 432012). This variant disrupts a region of the CHST3 protein in which other variant(s) (p.Leu286Trpfs*48) have been determined to be pathogenic (Invitae). This suggests that this is a clinically significant region of the protein, and that variants that disrupt it are likely to be disease-causing. For these reasons, this variant has been classified as Pathogenic.

CeGaT Center for Human Genetics Tuebingen
Classification: Pathogenic. Last evaluated: 2018-12-01. Review status: criteria provided, single submitter. Criteria: CeGaT Center For Human Genetics Tuebingen Variant Classification Criteria Version 2. Collection method: clinical testing. Allele origin: germline. Affected: yes. Observed: 1 variant allele.

GeneDx
Classification: Likely pathogenic. Last evaluated: 2017-06-12. Review status: criteria provided, single submitter. Criteria: GeneDx Variant Classification (06012015). Collection method: clinical testing. Allele origin: germline. Affected: yes.
Comment: The c.533dupG variant in the CHST3 gene has been reported previously in the homozygous state, using alternate nomenclature of c.533_534insG, in two unrelated Arab individuals affected with carbohydrate sulfotransferase 3 deficiency, congenital joint dislocations, and short stature (Unger et al., 2010). The c.533dupG variant causes a frameshift starting with codon Alanine 179, changes this amino acid to am Arginine residue, and creates a premature Stop codon at position 141 of the new reading frame, denoted p.Ala179ArgfsX141. This variant is predicted to cause loss of normal protein function through protein truncation. The c.533dupG variant is not observed at a significant frequency in large population cohorts (Lek et al., 2016; 1000 Genomes Consortium et al., 2015; Exome Variant Server). We interpret c.533dupG as a likely pathogenic variant.

Department of Medical Genetics, Sanjay Gandhi Post Graduate Institute of Medical Sciences
Classification: Pathogenic for Spondyloepiphyseal dysplasia with congenital joint dislocations. Review status: criteria provided, single submitter. Criteria: ACMG Guidelines, 2015. Collection method: clinical testing. Allele origin: inherited. Inheritance: Autosomal recessive inheritance. Affected: yes. Observed: 1 variant allele, 1 homozygote.
Comment: This mutation leads to frameshift mutation (p.A179R fs*141) and was found to be pathogenic by in silico tools.

Literature cited by the submitters: PubMed 20830804 (cited by Labcorp Genetics (formerly Invitae), Labcorp); PubMed 27753269 (cited by Labcorp Genetics (formerly Invitae), Labcorp and Department of Medical Genetics, Sanjay Gandhi Post Graduate Institute of Medical Sciences).